The following is an entry in ClinVar:

NM_000092.5(COL4A4):c.1508G>A (p.Gly503Asp)

Gene: COL4A4 (collagen type IV alpha 4 chain; minus strand). Cytogenetic location: 2q36.3.
Variant type: single nucleotide variant.
Coding change: c.1508G>A on transcript NM_000092.5 (MANE Select); coding-DNA position 1508, G replaced by A.
Protein change: p.Gly503Asp; replaces glycine 503 with aspartic acid.
Molecular consequence: missense variant.
Genome position (GRCh38, 1-based): chr2:227,088,768, C>T on the plus strand (G>A on the coding strand, the complement: COL4A4 is on the minus strand). VCF-style: chr2-227088768-C-T. GRCh37 (hg19) VCF-style: chr2-227953484-C-T.
Other names: short protein forms G503D.
Identifiers: ClinVar variation 3634123 (VCV003634123.2).

ClinVar aggregate classification (germline): Uncertain significance (1 of 4 stars; one submission).

Submission:

Labcorp Genetics (formerly Invitae), Labcorp
Classification: Uncertain significance. Last evaluated: 2024-06-06. Review status: criteria provided, single submitter. Criteria: Invitae Variant Classification Sherloc (09022015). Collection method: clinical testing. Allele origin: germline.
Comment: This sequence change replaces glycine, which is neutral and non-polar, with aspartic acid, which is acidic and polar, at codon 503 of the COL4A4 protein (p.Gly503Asp). This variant is not present in population databases (gnomAD no frequency). This variant has not been reported in the literature in individuals affected with COL4A4-related conditions. Advanced modeling of protein sequence and biophysical properties (such as structural, functional, and spatial information, amino acid conservation, physicochemical variation, residue mobility, and thermodynamic stability) performed at Invitae indicates that this missense variant is expected to disrupt COL4A4 protein function with a positive predictive value of 95%. In summary, the available evidence is currently insufficient to determine the role of this variant in disease. Therefore, it has been classified as a Variant of Uncertain Significance.